The following is an entry in ClinVar:

ClinVar aggregate classification (germline): Uncertain significance. Review status: criteria provided, multiple submitters, no conflicts (2 of 4 stars). 2 submissions from 2 submitters: Uncertain significance (2). Last evaluated 2024-03-13.

Conditions:
Primary dilated cardiomyopathy (DCM). Also called: Dilated Cardiomyopathy. Identifiers: Orphanet 217604, MedGen C0007193, MeSH D002311, MONDO:0005021, HP:0001644. Inheritance: Various modes of inheritance.
Cardiovascular phenotype. Identifiers: MedGen CN230736.

Allele frequency attached by ClinVar (database versions not stated): gnomAD exomes 0.00001; TOPMed 0.00002.
gnomAD v4.1: 8 of 1,614,068 alleles (0.0005%); highest among the groups gnomAD compares: Admixed American, 0.0033%; no homozygotes.

Submissions (2):

Ambry Genetics
Classification: Uncertain significance for Cardiovascular phenotype. Last evaluated: 2024-03-13. Review status: criteria provided, single submitter. Criteria: Ambry Variant Classification Scheme 2023. Collection method: clinical testing. Allele origin: germline.
Comment: The p.R323G variant (also known as c.967A>G), located in coding exon 12 of the TXNRD2 gene, results from an A to G substitution at nucleotide position 967. The arginine at codon 323 is replaced by glycine, an amino acid with dissimilar properties. This amino acid position is conserved. In addition, this alteration is predicted to be tolerated by in silico analysis. Based on the available evidence, the clinical significance of this alteration remains unclear.

Labcorp Genetics (formerly Invitae), Labcorp
Classification: Uncertain significance for Primary dilated cardiomyopathy. Last evaluated: 2023-08-22. Review status: criteria provided, single submitter. Criteria: Invitae Variant Classification Sherloc (09022015). Collection method: clinical testing. Allele origin: germline.
Comment: Advanced modeling of protein sequence and biophysical properties (such as structural, functional, and spatial information, amino acid conservation, physicochemical variation, residue mobility, and thermodynamic stability) performed at Invitae indicates that this missense variant is not expected to disrupt TXNRD2 protein function. In summary, the available evidence is currently insufficient to determine the role of this variant in disease. Therefore, it has been classified as a Variant of Uncertain Significance. ClinVar contains an entry for this variant (Variation ID: 2397955). This sequence change replaces arginine, which is basic and polar, with glycine, which is neutral and non-polar, at codon 323 of the TXNRD2 protein (p.Arg323Gly). This variant is present in population databases (no rsID available, gnomAD 0.006%). This variant has not been reported in the literature in individuals affected with TXNRD2-related conditions.

NM_006440.5(TXNRD2):c.967A>G (p.Arg323Gly)

Gene: TXNRD2 (thioredoxin reductase 2; minus strand). Cytogenetic location: 22q11.21.
Variant type: single nucleotide variant.
Coding change: c.967A>G on transcript NM_006440.5 (MANE Select); coding-DNA position 967, A replaced by G.
Protein change: p.Arg323Gly; replaces arginine 323 with glycine.
Molecular consequence: missense variant. On other transcripts: non-coding transcript variant (1).
Genome position (GRCh38, 1-based): chr22:19,883,444, T>C on the plus strand (A>G on the coding strand, the complement: TXNRD2 is on the minus strand). VCF-style: chr22-19883444-T-C. GRCh37 (hg19) VCF-style: chr22-19870967-T-C.
Other names: c.964A>G, p.Arg322Gly (NM_001352300.2); c.877A>G, p.Arg293Gly (NM_001352301.2); c.679A>G, p.Arg227Gly (NM_001352302.2); short protein forms R322G, R227G, R293G, R323G.
Identifiers: ClinVar variation 2397955 (VCV002397955.5), dbSNP rs1265487701, ClinGen allele CA410683037.